The following is an entry in ClinVar:

ClinVar aggregate classification (germline): Conflicting classifications of pathogenicity. Review status: criteria provided, conflicting classifications (1 of 4 stars). 6 submissions from 6 submitters: Uncertain significance (4); Likely benign (2). Last evaluated 2026-08-01.

Conditions:
Spastic paraplegia. Identifiers: MedGen C0037772, HP:0001258.
Hereditary spastic paraplegia 46. Also called: Spastic paraplegia 46, autosomal recessive. Identifiers: Orphanet 320391, MedGen C2828721, MONDO:0013737, OMIM 614409.
Hereditary spastic paraplegia. Also called: Familial spastic paraparesis. Identifiers: Orphanet 685, MedGen C0037773, MONDO:0019064. Disease mechanism: loss of function.

Allele frequency attached by ClinVar (database versions not stated): ExAC 0.00038; 1000 Genomes Project 0.00040; gnomAD exomes 0.00040 and 0.00076; TOPMed 0.00074; gnomAD 0.00081 and 0.00082; ESP Exome Variant Server 0.00085; 1000 Genomes Project 30x 0.00094.

Submissions (6):

CeGaT Center for Human Genetics Tuebingen
Classification: Likely benign. Last evaluated: 2026-08-01. Review status: criteria provided, single submitter. Criteria: CeGaT Center For Human Genetics Tuebingen Variant Classification Criteria Version 2. Collection method: clinical testing. Allele origin: germline. Affected: yes. Observed: 9 variant alleles.
Comment: GBA2: BP4

Mayo Clinic Laboratories, Mayo Clinic
Classification: Likely benign. Last evaluated: 2025-04-02. Review status: criteria provided, single submitter. Criteria: ACMG Guidelines, 2015. Collection method: clinical testing. Allele origin: germline. Observed: 3 variant alleles.
Comment: BS1, BP4_moderate

Blueprint Genetics
Classification: Uncertain significance. Last evaluated: 2024-09-05. Review status: criteria provided, single submitter. Criteria: ACMG Guidelines, 2015. Collection method: clinical testing. Allele origin: germline.

Labcorp Genetics (formerly Invitae), Labcorp
Classification: Uncertain significance for Spastic paraplegia. Last evaluated: 2024-01-08. Review status: criteria provided, single submitter. Criteria: Invitae Variant Classification Sherloc (09022015). Collection method: clinical testing. Allele origin: germline.
Comment: This sequence change replaces arginine, which is basic and polar, with tryptophan, which is neutral and slightly polar, at codon 518 of the GBA2 protein (p.Arg518Trp). This variant is present in population databases (rs142883889, gnomAD 0.1%), and has an allele count higher than expected for a pathogenic variant. This missense change has been observed in individual(s) with clinical features of hereditary spastic paraplegia (Invitae). ClinVar contains an entry for this variant (Variation ID: 241329). An algorithm developed to predict the effect of missense changes on protein structure and function (PolyPhen-2) suggests that this variant¬†is likely to be tolerated. In summary, the available evidence is currently insufficient to determine the role of this variant in disease. Therefore, it has been classified as a Variant of Uncertain Significance.

Genome Diagnostics Laboratory, The Hospital for Sick Children
Classification: Uncertain significance for Hereditary spastic paraplegia. Last evaluated: 2021-10-14. Review status: criteria provided, single submitter. Criteria: ACMG Guidelines, 2015. Collection method: clinical testing. Allele origin: germline. Affected: yes.

Baylor Genetics
Classification: Uncertain significance for Hereditary spastic paraplegia 46. Last evaluated: 2019-01-29. Review status: criteria provided, single submitter. Criteria: ACMG Guidelines, 2015. Collection method: clinical testing. Allele origin: unknown. Affected: yes.
Comment: This variant was determined to be of uncertain significance according to ACMG Guidelines, 2015 [PMID:25741868].

NM_020944.3(GBA2):c.1552C>T (p.Arg518Trp)

Gene: GBA2 (glucosylceramidase beta 2; minus strand). Cytogenetic location: 9p13.3.
Variant type: single nucleotide variant.
Coding change: c.1552C>T on transcript NM_020944.3 (MANE Select); coding-DNA position 1552, C replaced by T.
Protein change: p.Arg518Trp; replaces arginine 518 with tryptophan.
Molecular consequence: missense variant.
Genome position (GRCh38, 1-based): chr9:35,739,658, G>A on the plus strand (C>T on the coding strand, the complement: GBA2 is on the minus strand). VCF-style: chr9-35739658-G-A. GRCh37 (hg19) VCF-style: chr9-35739655-G-A.
Other names: c.1552C>T, p.Arg518Trp (NM_001330660.2); short protein forms R518W.
Identifiers: ClinVar variation 241329 (VCV000241329.56), dbSNP rs142883889, ClinGen allele CA5050370.
Genomic context (GRCh38, chr9:35,739,658, plus strand): 5'-GCCATATCCCAGCCCACCAGCATCCTGTACCCTCAAGGTAGCCAAATCGACCGTAGTCCC[G>A]TAGGGTGGGGCGGAGGTGACACATGTTTCTGCCCAGCTCCTCTGGTAGGGAGTCCTCAAG-3'
Protein context (NP_065995.1, residues 508-528): RNMCHLRPTL[Arg518Trp]DYGRFGYLEG